The following is an entry in ClinVar:

ClinVar aggregate classification (germline): Uncertain significance (1 of 4 stars; one submission).

Conditions:
Biotin-responsive basal ganglia disease (BTBGD). Also called: Thiamine metabolism dysfunction syndrome 2 (biotin- or thiamine-responsive encephalopathy type 2); thiamine-responsive encephalopathy; Thiamine Transporter-2 Deficiency; Thiamine metabolism dysfunction syndrome type 2; THIAMINE METABOLISM DYSFUNCTION SYNDROME 2 (BIOTIN- AND THIAMINE-RESPONSIVE TYPE). Identifiers: Orphanet 199348, Orphanet 65284, MedGen C1843807, MONDO:0011841, OMIM 607483.

Allele frequency attached by ClinVar (database versions not stated): ExAC 0.00001; gnomAD 0.00001; TOPMed 0.00003.
gnomAD v4.1: 1 of 1,614,052 alleles (0.000062%); highest among the groups gnomAD compares: African/African-American, 0.0013%; no homozygotes.

Submission:

Labcorp Genetics (formerly Invitae), Labcorp
Classification: Uncertain significance for Biotin-responsive basal ganglia disease. Last evaluated: 2024-10-16. Review status: criteria provided, single submitter. Criteria: Invitae Variant Classification Sherloc (09022015). Collection method: clinical testing. Allele origin: germline.
Comment: This sequence change replaces alanine, which is neutral and non-polar, with valine, which is neutral and non-polar, at codon 119 of the SLC19A3 protein (p.Ala119Val). This variant is present in population databases (rs760673468, gnomAD 0.007%). This variant has not been reported in the literature in individuals affected with SLC19A3-related conditions. ClinVar contains an entry for this variant (Variation ID: 2189720). Invitae Evidence Modeling of protein sequence and biophysical properties (such as structural, functional, and spatial information, amino acid conservation, physicochemical variation, residue mobility, and thermodynamic stability) has been performed for this missense variant. However, the output from this modeling did not meet the statistical confidence thresholds required to predict the impact of this variant on SLC19A3 protein function. In summary, the available evidence is currently insufficient to determine the role of this variant in disease. Therefore, it has been classified as a Variant of Uncertain Significance.

NM_025243.4(SLC19A3):c.356C>T (p.Ala119Val)

Gene: SLC19A3 (solute carrier family 19 member 3; minus strand). Cytogenetic location: 2q36.3.
Variant type: single nucleotide variant.
Coding change: c.356C>T on transcript NM_025243.4 (MANE Select); coding-DNA position 356, C replaced by T.
Protein change: p.Ala119Val; replaces alanine 119 with valine.
Molecular consequence: missense variant.
Genome position (GRCh38, 1-based): chr2:227,699,359, G>A on the plus strand (C>T on the coding strand, the complement: SLC19A3 is on the minus strand). VCF-style: chr2-227699359-G-A. GRCh37 (hg19) VCF-style: chr2-228564075-G-A.
Other names: c.356C>T, p.Ala119Val (NM_001371411.1, NM_001371412.1); c.344C>T, p.Ala115Val (NM_001371413.1, NM_001371414.1); short protein forms A115V, A119V.
Identifiers: ClinVar variation 2189720 (VCV002189720.2), dbSNP rs760673468, ClinGen allele CA2149322.